The following is an entry in ClinVar:

ClinVar aggregate classification (germline): Conflicting classifications of pathogenicity. Review status: criteria provided, conflicting classifications (1 of 4 stars). 2 submissions from 2 submitters: Uncertain significance (1); Likely benign (1). Last evaluated 2025-01-02.

Conditions:
Cardiovascular phenotype. Identifiers: MedGen CN230736.
Long QT syndrome (LQTS). Identifiers: MedGen C0023976, MeSH D008133, MONDO:0002442. Disease mechanism: loss of function. Inheritance: Various modes of inheritance.

Allele frequency attached by ClinVar (database versions not stated): gnomAD exomes below 0.00001; gnomAD 0.00005; TOPMed 0.00005.
gnomAD v4.1: 10 of 1,612,516 alleles (0.00062%); highest among the groups gnomAD compares: African/African-American, 0.012%; no homozygotes.

Submissions (2):

Ambry Genetics
Classification: Likely benign for Cardiovascular phenotype. Last evaluated: 2025-01-02. Review status: criteria provided, single submitter. Criteria: Ambry Variant Classification Scheme 2023. Collection method: clinical testing. Allele origin: germline.

Labcorp Genetics (formerly Invitae), Labcorp
Classification: Uncertain significance for Long QT syndrome. Last evaluated: 2023-10-23. Review status: criteria provided, single submitter. Criteria: Invitae Variant Classification Sherloc (09022015). Collection method: clinical testing. Allele origin: germline.
Comment: This sequence change replaces asparagine, which is neutral and polar, with aspartic acid, which is acidic and polar, at codon 1058 of the AKAP9 protein (p.Asn1058Asp). This variant is present in population databases (no rsID available, gnomAD 0.01%). This variant has not been reported in the literature in individuals affected with AKAP9-related conditions. ClinVar contains an entry for this variant (Variation ID: 649145). Algorithms developed to predict the effect of missense changes on protein structure and function output the following: SIFT: "Not Available"; PolyPhen-2: "Benign"; Align-GVGD: "Not Available". The aspartic acid amino acid residue is found in multiple mammalian species, which suggests that this missense change does not adversely affect protein function. In summary, the available evidence is currently insufficient to determine the role of this variant in disease. Therefore, it has been classified as a Variant of Uncertain Significance.

NM_005751.5(AKAP9):c.3172A>G (p.Asn1058Asp)

Gene: AKAP9 (A-kinase anchoring protein 9; plus strand). Cytogenetic location: 7q21.2.
Variant type: single nucleotide variant.
Coding change: c.3172A>G on transcript NM_005751.5 (MANE Select); coding-DNA position 3172, A replaced by G.
Protein change: p.Asn1058Asp; replaces asparagine 1058 with aspartic acid.
Molecular consequence: missense variant.
Genome position (GRCh38, 1-based): chr7:92,003,089, A>G. VCF-style: chr7-92003089-A-G. GRCh37 (hg19) VCF-style: chr7-91632403-A-G.
Other names: c.3172A>G, p.Asn1058Asp (NM_147185.3); short protein forms N1058D.
Identifiers: ClinVar variation 649145 (VCV000649145.9), dbSNP rs1029311669, ClinGen allele CA161908822.
Genomic context (GRCh38, chr7:92,003,089, plus strand): 5'-GTAAATAAAAGTTTTGGTGAAGAATCAAAAATAATGGTGGAAGATAAAGTTTCTTTTGAA[A>G]ATATGACTGTTGGAGAAGAAAGTAAGCAAGAACAGTTGATTTTGGATCACTTACCATCTG-3'
Protein context (NP_005742.4, residues 1048-1068): IMVEDKVSFE[Asn1058Asp]MTVGEESKQE